The following is an entry in ClinVar:

NM_000500.9(CYP21A2):c.1143G>C (p.Glu381Asp)

Genes: CYP21A2 (cytochrome P450 family 21 subfamily A member 2; plus strand), LOC106780800 (CYP21A2 recombination region; plus strand). Cytogenetic location: 6p21.33.
Variant type: single nucleotide variant.
Coding change: c.1143G>C on transcript NM_000500.9 (MANE Select); coding-DNA position 1143, G replaced by C.
Protein change: p.Glu381Asp; replaces glutamic acid 381 with aspartic acid.
Molecular consequence: missense variant.
Genome position (GRCh38, 1-based): chr6:32,040,692, G>C. VCF-style: chr6-32040692-G-C. GRCh37 (hg19) VCF-style: chr6-32008469-G-C.
Other names: E380D; c.1143G>C (NM_000500.7); c.1053G>C, p.Glu351Asp (NM_001128590.4); c.738G>C, p.Glu246Asp (NM_001368143.2, NM_001368144.2); short protein forms E246D, E351D, E381D.
Identifiers: ClinVar variation 12172 (VCV000012172.3), dbSNP rs72552756, ClinGen allele CA3732657.

ClinVar aggregate classification (germline): Uncertain significance. Review status: criteria provided, multiple submitters, no conflicts (2 of 4 stars). 3 submissions from 3 submitters: Uncertain significance (2). 1 of the submissions does not count toward it. Last evaluated 2023-05-10.

Conditions:
21-Hydroxylase-Deficient Congenital Adrenal Hyperplasia. Also called: ADRENAL HYPERPLASIA III; ADRENAL HYPERPLASIA, CONGENITAL, DUE TO 21-HYDROXYLASE DEFICIENCY. Identifiers: MedGen C2936858, OMIM 201910.

Allele frequency attached by ClinVar (database versions not stated): gnomAD 0.00002.

Submissions (3):

Women's Health and Genetics/Laboratory Corporation of America, LabCorp
Classification: Uncertain significance. Last evaluated: 2023-05-10. Review status: criteria provided, single submitter. Criteria: LabCorp Variant Classification Summary - May 2015. Collection method: clinical testing. Allele origin: germline.
Comment: Variant summary: CYP21A2 c.1143G>C (p.Glu381Asp) results in a conservative amino acid change in the encoded protein sequence. Five of five in-silico tools predict a benign effect of the variant on protein function. The variant allele was found at a frequency of 8.4e-06 in 237156 control chromosomes. c.1143G>C has been reported in the literature in individuals affected with Congenital Adrenal Hyperplasia (Kirby-Keyser_1997). These data indicate that the variant may be associated with disease. At least one publication reports experimental evidence evaluating an impact on protein function indicating a 3 fold decrease in enzyme activity (Hsu_1998). The following publications have been ascertained in the context of this evaluation (PMID: 9067760, 10082937). No clinical diagnostic laboratories have submitted clinical-significance assessments for this variant to ClinVar after 2014. Based on the evidence outlined above, the variant was classified as VUS-possibly pathogenic. Based on the evidence outlined above, the variant was classified as VUS-possibly pathogenic.

Blueprint Genetics
Classification: Uncertain significance. Last evaluated: 2021-02-04. Review status: criteria provided, single submitter. Criteria: ACMG Guidelines, 2015. Collection method: clinical testing. Allele origin: germline.

OMIM
Classification: Pathogenic for ADRENAL HYPERPLASIA, CONGENITAL, DUE TO 21-HYDROXYLASE DEFICIENCY, SALT-WASTING TYPE. Last evaluated: 1997-01-01. Review status: no assertion criteria provided. Collection method: literature only. Allele origin: germline. Not counted in ClinVar's aggregate classification.

Literature cited by the submitters: PubMed 10082937 (cited by Women's Health and Genetics/Laboratory Corporation of America, LabCorp); PubMed 9067760 (cited by Women's Health and Genetics/Laboratory Corporation of America, LabCorp and OMIM).